The following is an entry in ClinVar:

ClinVar aggregate classification (germline): Conflicting classifications of pathogenicity. Review status: criteria provided, conflicting classifications (1 of 4 stars). 3 submissions from 3 submitters: Pathogenic (1); Uncertain significance (2). Last evaluated 2025-05-16.

Conditions:
Developmental and epileptic encephalopathy, 11 (DEE11). Also called: Early infantile epileptic encephalopathy 11. Identifiers: Orphanet 1934, MedGen C3150987, MONDO:0013388, OMIM 613721.

Submissions (3):

GeneDx
Classification: Pathogenic. Last evaluated: 2025-05-16. Review status: criteria provided, single submitter. Criteria: GeneDx Variant Classification Process June 2021. Collection method: clinical testing. Allele origin: germline. Affected: yes.
Comment: Not observed at significant frequency in large population cohorts (gnomAD); In silico analysis supports that this missense variant has a deleterious effect on protein structure/function; This substitution is predicted to be within the extracellular loop between the S5 and S6 transmembrane segments of the second homologous domain; This variant is associated with the following publications: (PMID: 33731876, 30564305, 33057194, 35982159, 33004838)

Women's Health and Genetics/Laboratory Corporation of America, LabCorp
Classification: Uncertain significance. Last evaluated: 2023-12-11. Review status: criteria provided, single submitter. Criteria: LabCorp Variant Classification Summary - May 2015. Collection method: clinical testing. Allele origin: germline.
Comment: Variant summary: SCN2A c.2764C>T (p.Arg922Cys) results in a non-conservative amino acid change located in the Ion transport domain (IPR005821) of the encoded protein sequence. Five of five in-silico tools predict a damaging effect of the variant on protein function. The variant was absent in 251496 control chromosomes. The available data on variant occurrences in the general population are insufficient to allow any conclusion about variant significance. c.2764C>T has been reported in the literature in at least one individual affected with an unspecified reportedly ultra-rare severe neurodevelopmental disorder, reported as a de novo occurrence (e.g. Wang_2020). These report(s) do not provide unequivocal conclusions about association of the variant with Early Infantile Epileptic Encephalopathy 11. To our knowledge, no experimental evidence demonstrating an impact on protein function has been reported. The following publications have been ascertained in the context of this evaluation (PMID: 33731876, 33004838). No submitters have cited clinical-significance assessments for this variant to ClinVar after 2014. Based on the evidence outlined above, the variant was classified as uncertain significance.

Neuberg Centre For Genomic Medicine, NCGM
Classification: Uncertain significance for Developmental and epileptic encephalopathy, 11. Review status: criteria provided, single submitter. Criteria: ACMG Guidelines, 2015. Collection method: clinical testing. Allele origin: germline. Affected: yes.
Comment: The missense variant p.R922C in SCN2A (NM_021007.3) has not been reported previously in affected patients. Another varian (R299H)t at the same position has been reported to Clinvar as Likely Pathogenic. The p.R922C variant is novel (not in any individuals) in gnomAD Exomes and is novel (not in any individuals) in 1000 Genomes. There is a large physicochemical difference between arginine and cysteine, which is likely to impact secondary protein structure as these residues differ in polarity, charge, size and/or other properties. The p.R922C missense variant is predicted to be damaging by both SIFT and PolyPhen2. The arginine residue at codon 922 of SCN2A is conserved in all mammalian species. The nucleotide c.2764 in SCN2A is predicted conserved by GERP++ and PhyloP across 100 vertebrates. For these reasons, this variant has been classified as Uncertain Significance.

Literature cited by the submitters: PubMed 33004838 (cited by Women's Health and Genetics/Laboratory Corporation of America, LabCorp); PubMed 33731876 (cited by Women's Health and Genetics/Laboratory Corporation of America, LabCorp).

NM_001040142.2(SCN2A):c.2764C>T (p.Arg922Cys)

Gene: SCN2A (sodium voltage-gated channel alpha subunit 2; plus strand). Cytogenetic location: 2q24.3.
Variant type: single nucleotide variant.
Coding change: c.2764C>T on transcript NM_001040142.2 (MANE Select); coding-DNA position 2764, C replaced by T.
Protein change: p.Arg922Cys; replaces arginine 922 with cysteine.
Molecular consequence: missense variant.
Genome position (GRCh38, 1-based): chr2:165,344,756, C>T. VCF-style: chr2-165344756-C-T. GRCh37 (hg19) VCF-style: chr2-166201266-C-T.
Other names: c.2764C>T (NM_021007.2); c.2764C>T, p.Arg922Cys (NM_001040143.2, NM_001371246.1, NM_001371247.1 and 1 more transcripts); short protein forms R922C.
Identifiers: ClinVar variation 1339119 (VCV001339119.4), dbSNP rs1008211605, ClinGen allele CA349015363.